The following is an entry in ClinVar:

ClinVar aggregate classification (germline): Uncertain significance (1 of 4 stars; one submission).

gnomAD v4.1: 28 of 1,603,874 alleles (0.0017%); highest among the groups gnomAD compares: Non-Finnish European, 0.00034%; no homozygotes.

Submission:

Labcorp Genetics (formerly Invitae), Labcorp
Classification: Uncertain significance. Last evaluated: 2025-02-23. Review status: criteria provided, single submitter. Criteria: Invitae Variant Classification Sherloc (09022015). Collection method: clinical testing. Allele origin: germline.
Comment: This sequence change falls in intron 5 of the KANK2 gene. It does not directly change the encoded amino acid sequence of the KANK2 protein. It affects a nucleotide within the consensus splice site. The frequency data for this variant in the population databases is considered unreliable, as metrics indicate poor data quality at this position in the gnomAD database. This variant has not been reported in the literature in individuals affected with KANK2-related conditions. Variants that disrupt the consensus splice site are a relatively common cause of aberrant splicing (PMID: 17576681, 9536098). Algorithms developed to predict the effect of sequence changes on RNA splicing suggest that this variant is not likely to affect RNA splicing. In summary, the available evidence is currently insufficient to determine the role of this variant in disease. Therefore, it has been classified as a Variant of Uncertain Significance.

Literature cited by the submitters: PubMed 17576681; PubMed 9536098.

NM_001136191.3(KANK2):c.1417+4A>G

Gene: KANK2 (KN motif and ankyrin repeat domains 2; minus strand). Cytogenetic location: 19p13.2.
Variant type: single nucleotide variant.
Coding change: c.1417+4A>G on transcript NM_001136191.3 (MANE Select); 4 bases into the intron after coding-DNA position 1417, A replaced by G.
Molecular consequence: intron variant.
Genome position (GRCh38, 1-based): chr19:11,178,549, T>C on the plus strand (A>G on the coding strand, the complement: KANK2 is on the minus strand). VCF-style: chr19-11178549-T-C. GRCh37 (hg19) VCF-style: chr19-11289225-T-C.
Other names: c.1417+4A>G (NM_001379552.1, NM_001379553.1, NM_001379562.1 and 15 more transcripts).
Identifiers: ClinVar variation 3712211 (VCV003712211.2).
Genomic context (GRCh38, chr19:11,178,549, plus strand): 5'-GGCCAGACTCCGAACTGGCGCCATCCCGGTGCCCCGTCCCTCTTGGCGGCCACCCACCAC[T>C]TACCGGTGCCCCCGGCCTCCTCGGACTCTTGGGAGGCTGCTTGCCTGGTGGGCTCCCTGT-3'